The following is an entry in ClinVar:

NM_020376.4(PNPLA2):c.1182G>A (p.Pro394=)

Gene: PNPLA2 (patatin like domain 2, triacylglycerol lipase; plus strand). Cytogenetic location: 11p15.5.
Variant type: single nucleotide variant.
Coding change: c.1182G>A on transcript NM_020376.4 (MANE Select); coding-DNA position 1182, G replaced by A.
Protein change: p.Pro394=; no amino-acid change (proline 394 retained).
Molecular consequence: synonymous variant.
Genome position (GRCh38, 1-based): chr11:824,529, G>A. VCF-style: chr11-824529-G-A. GRCh37 (hg19) VCF-style: chr11-824529-G-A.
Identifiers: ClinVar variation 1595785 (VCV001595785.30), dbSNP rs374839788, ClinGen allele CA5791333.
Genomic context (GRCh38, chr11:824,529, plus strand): 5'-CGCGGTGCTAGCGCCGGGAGCTGAAGCCCTCCCTGCCGCATCCCTGCCCCGCAGGCTGCC[G>A]GAGCAGGTGGAGCTGCGCCGCGTCCAGTCGCTGCCGTCCGTGCCGCTGTCCTGCGCCGCC-3'
Protein context (NP_065109.1, residues 384-404): KLGRHLPSRL[Pro394=]EQVELRRVQS

ClinVar aggregate classification (germline): Likely benign. Review status: criteria provided, multiple submitters, no conflicts (2 of 4 stars). 2 submissions from 2 submitters: Likely benign (2). Last evaluated 2024-12-04.

Conditions:
Neutral lipid storage myopathy (NLSDM). Also called: NEUTRAL LIPID STORAGE DISEASE WITHOUT ICHTHYOSIS. Identifiers: Orphanet 98908, MedGen C1853136, MONDO:0012545, OMIM 610717.

Allele frequency attached by ClinVar (database versions not stated): TOPMed below 0.00001; gnomAD exomes 0.00001; ExAC 0.00007; ESP Exome Variant Server 0.00008.

Submissions (2):

Labcorp Genetics (formerly Invitae), Labcorp
Classification: Likely benign for Neutral lipid storage myopathy. Last evaluated: 2024-12-04. Review status: criteria provided, single submitter. Criteria: Invitae Variant Classification Sherloc (09022015). Collection method: clinical testing. Allele origin: germline.

CeGaT Center for Human Genetics Tuebingen
Classification: Likely benign. Last evaluated: 2024-01-01. Review status: criteria provided, single submitter. Criteria: CeGaT Center For Human Genetics Tuebingen Variant Classification Criteria Version 2. Collection method: clinical testing. Allele origin: germline. Affected: yes. Observed: 1 variant allele.
Comment: PNPLA2: BP4, BP7